The following is an entry in ClinVar:

ClinVar aggregate classification (germline): Uncertain significance (1 of 4 stars; one submission).

Submission:

GeneDx
Classification: Uncertain significance. Last evaluated: 2025-08-08. Review status: criteria provided, single submitter. Criteria: GeneDx Variant Classification Process June 2021. Collection method: clinical testing. Allele origin: germline. Affected: yes.
Comment: Not observed at significant frequency in large population cohorts (gnomAD); In silico analysis suggests that this variant does not alter splicing; Has not been previously published as pathogenic or benign to our knowledge

NM_181458.4(PAX3):c.793-4A>T

Gene: PAX3 (paired box 3; minus strand). Cytogenetic location: 2q36.1.
Variant type: single nucleotide variant.
Coding change: c.793-4A>T on transcript NM_181458.4 (MANE Select); 4 bases into the intron before coding-DNA position 793, A replaced by T.
Molecular consequence: intron variant.
Genome position (GRCh38, 1-based): chr2:222,221,391, T>A on the plus strand (A>T on the coding strand, the complement: PAX3 is on the minus strand). VCF-style: chr2-222221391-T-A. GRCh37 (hg19) VCF-style: chr2-223086110-T-A.
Other names: c.790-4A>T (NM_001127366.3); c.793-4A>T (NM_181460.4, NM_181461.4, NM_181459.4 and 1 more transcripts).
Identifiers: ClinVar variation 4795635 (VCV004795635.1).